The following is an entry in ClinVar:

ClinVar aggregate classification (germline): Uncertain significance (1 of 4 stars; one submission).

Submission:

Ambry Genetics
Classification: Uncertain significance. Last evaluated: 2025-12-09. Review status: criteria provided, single submitter. Criteria: Ambry Variant Classification Scheme 2023. Collection method: clinical testing. Allele origin: germline.
Comment: The p.S138I variant (also known as c.413G>T), located in coding exon 1 of the CDK12 gene, results from a G to T substitution at nucleotide position 413. The serine at codon 138 is replaced by isoleucine, an amino acid with dissimilar properties. This amino acid position is conserved. In addition, this alteration is predicted to be tolerated by in silico analysis. Based on the available evidence, the clinical significance of this variant remains unclear.

NM_016507.4(CDK12):c.413G>T (p.Ser138Ile)

Genes: CDK12 (cyclin dependent kinase 12; plus strand), LOC126862553 (CDK7 strongly-dependent group 2 enhancer GRCh37_chr17:37618166-37619365; plus strand). Cytogenetic location: 17q12.
Variant type: single nucleotide variant.
Coding change: c.413G>T on transcript NM_016507.4 (MANE Select); coding-DNA position 413, G replaced by T.
Protein change: p.Ser138Ile; replaces serine 138 with isoleucine.
Molecular consequence: missense variant.
Genome position (GRCh38, 1-based): chr17:39,462,484, G>T. VCF-style: chr17-39462484-G-T. GRCh37 (hg19) VCF-style: chr17-37618737-G-T.
Other names: c.413G>T, p.Ser138Ile (NM_015083.4); short protein forms S138I.
Identifiers: ClinVar variation 4651486 (VCV004651486.1).